The following is an entry in ClinVar:

NM_172245.4(CSF2RA):c.281T>C (p.Phe94Ser)

Gene: CSF2RA (colony stimulating factor 2 receptor subunit alpha; plus strand). Cytogenetic location: Xp22.33.
Variant type: single nucleotide variant.
Coding change: c.281T>C on transcript NM_172245.4 (MANE Select); coding-DNA position 281, T replaced by C.
Protein change: p.Phe94Ser; replaces phenylalanine 94 with serine.
Molecular consequence: missense variant. On other transcripts: 5 prime UTR variant (1), non-coding transcript variant (1).
Genome position (GRCh38, 1-based): chrX:1,288,580, T>C. VCF-style: chrX-1288580-T-C. GRCh37 (hg19) VCF-style: chrX-1407473-T-C.
Other names: c.281T>C, p.Phe94Ser (NM_001161529.2, NM_001161530.2, NM_001161531.2 and 20 more transcripts); c.-119T>C (NM_001161532.2); short protein forms F94S.
Identifiers: ClinVar variation 635561 (VCV000635561.7), dbSNP rs774500472, ClinGen allele CA10330746.

ClinVar aggregate classification (germline): Uncertain significance. Review status: criteria provided, multiple submitters, no conflicts (2 of 4 stars). 2 submissions from 2 submitters: Uncertain significance (2). Last evaluated 2021-08-20.

Conditions:
Surfactant metabolism dysfunction, pulmonary, 4 (SMDP4). Also called: PAP DUE TO CSF2RA DEFICIENCY; PULMONARY ALVEOLAR PROTEINOSIS, CONGENITAL, 4; CSF2RA DEFICIENCY. Identifiers: Orphanet 264675, MedGen C2677877, MONDO:0010424, OMIM 300770.

Allele frequency attached by ClinVar (database versions not stated): gnomAD exomes below 0.00001 and 0.00001; ExAC 0.00001; gnomAD 0.00003 and 0.00004; TOPMed 0.00004.
gnomAD v4.1: 11 of 1,613,812 alleles (0.00068%); highest among the groups gnomAD compares: African/African-American, 0.013%; no homozygotes.

Submissions (2):

Labcorp Genetics (formerly Invitae), Labcorp
Classification: Uncertain significance for Surfactant metabolism dysfunction, pulmonary, 4. Last evaluated: 2021-08-20. Review status: criteria provided, single submitter. Criteria: Invitae Variant Classification Sherloc (09022015). Collection method: clinical testing. Allele origin: germline.
Comment: This sequence change replaces phenylalanine with serine at codon 94 of the CSF2RA protein (p.Phe94Ser). The phenylalanine residue is moderately conserved and there is a large physicochemical difference between phenylalanine and serine. This variant is present in population databases (no rsID available, ExAC 0.01%). This variant has not been reported in the literature in individuals affected with CSF2RA-related conditions. ClinVar contains an entry for this variant (Variation ID: 635561). Algorithms developed to predict the effect of missense changes on protein structure and function are either unavailable or do not agree on the potential impact of this missense change (SIFT: "Deleterious"; PolyPhen-2: "Probably Damaging"; Align-GVGD: "Class C0"). In summary, the available evidence is currently insufficient to determine the role of this variant in disease. Therefore, it has been classified as a Variant of Uncertain Significance.

Johns Hopkins Genomics, Johns Hopkins University
Classification: Uncertain significance for Surfactant metabolism dysfunction, pulmonary, 4. Last evaluated: 2019-03-22. Review status: criteria provided, single submitter. Criteria: ACMG Guidelines, 2015. Collection method: clinical testing. Allele origin: germline.
Comment: This CSF2RA variant (rs774500472) is rare (<0.1%) in large population datasets (gnomAD: 4/282562 total alleles; 0.001%; no homozygotes). CSF2RA c.281T>C has not been reported in ClinVar nor the literature, to our knowledge. Two bioinformatic tools queried predict that this substitution would possibly be damaging, however the phenylalanine residue at this position is not highly evolutionarily conserved across the species assessed. Bioinformatic analysis predicts that this variant would not affect normal exon 6 splicing, although this has not been confirmed experimentally to our knowledge. The clinical significance of c.281T>C is uncertain at this time.